The following is an entry in ClinVar:

ClinVar aggregate classification (germline): Uncertain significance (1 of 4 stars; one submission).

Allele frequency attached by ClinVar (database versions not stated): gnomAD exomes below 0.00001; gnomAD 0.00001.
gnomAD v4.1: 5 of 1,614,020 alleles (0.00031%); highest among the groups gnomAD compares: African/African-American, 0.0013%; no homozygotes.

Submission:

Labcorp Genetics (formerly Invitae), Labcorp
Classification: Uncertain significance. Last evaluated: 2024-10-26. Review status: criteria provided, single submitter. Criteria: Invitae Variant Classification Sherloc (09022015). Collection method: clinical testing. Allele origin: germline.
Comment: This sequence change replaces arginine, which is basic and polar, with glutamine, which is neutral and polar, at codon 176 of the TMED7 protein (p.Arg176Gln). This variant is not present in population databases (gnomAD no frequency). This variant has not been reported in the literature in individuals affected with TMED7-related conditions. ClinVar contains an entry for this variant (Variation ID: 2015385). An algorithm developed to predict the effect of missense changes on protein structure and function (PolyPhen-2) suggests that this variant is likely to be disruptive. In summary, the available evidence is currently insufficient to determine the role of this variant in disease. Therefore, it has been classified as a Variant of Uncertain Significance.

NM_181836.6(TMED7):c.527G>A (p.Arg176Gln)

Genes: TMED7-TICAM2 (TMED7-TICAM2 readthrough; minus strand), TMED7 (transmembrane p24 trafficking protein 7; minus strand), TICAM2-AS1 (TICAM2 antisense RNA 1; plus strand). Cytogenetic location: 5q22.3.
Variant type: single nucleotide variant.
Coding change: c.527G>A on transcript NM_181836.6 (MANE Select); coding-DNA position 527, G replaced by A.
Protein change: p.Arg176Gln; replaces arginine 176 with glutamine.
Molecular consequence: missense variant.
Genome position (GRCh38, 1-based): chr5:115,616,357, C>T on the plus strand (G>A on the coding strand, the complement: TMED7 is on the minus strand). VCF-style: chr5-115616357-C-T. GRCh37 (hg19) VCF-style: chr5-114952054-C-T.
Other names: c.527G>A, p.Arg176Gln (NM_001164468.4, NM_001164469.4); short protein forms R176Q.
Identifiers: ClinVar variation 2015385 (VCV002015385.4), dbSNP rs1247963929, ClinGen allele CA360713299.